The following is an entry in ClinVar:

NM_000632.4(ITGAM):c.3080G>T (p.Cys1027Phe)

Gene: ITGAM (integrin subunit alpha M; plus strand). Cytogenetic location: 16p11.2.
Variant type: single nucleotide variant.
Coding change: c.3080G>T on transcript NM_000632.4 (MANE Select); coding-DNA position 3080, G replaced by T.
Protein change: p.Cys1027Phe; replaces cysteine 1027 with phenylalanine.
Molecular consequence: missense variant.
Genome position (GRCh38, 1-based): chr16:31,330,327, G>T. VCF-style: chr16-31330327-G-T. GRCh37 (hg19) VCF-style: chr16-31341648-G-T.
Other names: c.3083G>T, p.Cys1028Phe (NM_001145808.2); short protein forms C1027F, C1028F.
Identifiers: ClinVar variation 2011149 (VCV002011149.4), dbSNP rs2080563673, ClinGen allele CA395701513.
Genomic context (GRCh38, chr16:31,330,327, plus strand): 5'-TCGGCTTCCTTACCCGTCCCCTCCCCTCCTGCGTTCCCCAGAACTGCTCCATCGCTGTCT[G>T]CCAGAGAATCCAGTGTGACATCCCGTTCTTTGGCATCCAGGAAGAATTCAATGCTACCCT-3'
Protein context (NP_000623.2, residues 1017-1037): APVVNCSIAV[Cys1027Phe]QRIQCDIPFF

ClinVar aggregate classification (germline): Uncertain significance (1 of 4 stars; one submission).

Submission:

Labcorp Genetics (formerly Invitae), Labcorp
Classification: Uncertain significance. Last evaluated: 2021-12-22. Review status: criteria provided, single submitter. Criteria: Invitae Variant Classification Sherloc (09022015). Collection method: clinical testing. Allele origin: germline.
Comment: In summary, the available evidence is currently insufficient to determine the role of this variant in disease. Therefore, it has been classified as a Variant of Uncertain Significance. Algorithms developed to predict the effect of missense changes on protein structure and function (SIFT, PolyPhen-2, Align-GVGD) all suggest that this variant is likely to be disruptive. This variant has not been reported in the literature in individuals affected with ITGAM-related conditions. This variant is not present in population databases (gnomAD no frequency). This sequence change replaces cysteine, which is neutral and slightly polar, with phenylalanine, which is neutral and non-polar, at codon 1027 of the ITGAM protein (p.Cys1027Phe).